The following is an entry in ClinVar:

NM_152309.3(PIK3AP1):c.1483G>A (p.Gly495Arg)

Gene: PIK3AP1 (phosphoinositide-3-kinase adaptor protein 1; minus strand). Cytogenetic location: 10q24.1.
Variant type: single nucleotide variant.
Coding change: c.1483G>A on transcript NM_152309.3 (MANE Select); coding-DNA position 1483, G replaced by A.
Protein change: p.Gly495Arg; replaces glycine 495 with arginine.
Molecular consequence: missense variant.
Genome position (GRCh38, 1-based): chr10:96,626,894, C>T on the plus strand (G>A on the coding strand, the complement: PIK3AP1 is on the minus strand). VCF-style: chr10-96626894-C-T. GRCh37 (hg19) VCF-style: chr10-98386651-C-T.
Other names: short protein forms G495R.
Identifiers: ClinVar variation 848940 (VCV000848940.9), dbSNP rs773784554, ClinGen allele CA5626232.

ClinVar aggregate classification (germline): Uncertain significance (1 of 4 stars; one submission).

Conditions:
Infantile spasms. Also called: Infantile spasm. Identifiers: MedGen C3887898, HP:0012469.

Allele frequency attached by ClinVar (database versions not stated): ExAC 0.00001; gnomAD exomes 0.00001; TOPMed 0.00001.
gnomAD v4.1: 12 of 1,613,888 alleles (0.00074%); highest among the groups gnomAD compares: Non-Finnish European, 0.001%; no homozygotes.

Submission:

Labcorp Genetics (formerly Invitae), Labcorp
Classification: Uncertain significance for Infantile spasms. Last evaluated: 2021-06-12. Review status: criteria provided, single submitter. Criteria: Invitae Variant Classification Sherloc (09022015). Collection method: clinical testing. Allele origin: germline.
Comment: This sequence change replaces glycine with arginine at codon 495 of the PIK3AP1 protein (p.Gly495Arg). The glycine residue is moderately conserved and there is a moderate physicochemical difference between glycine and arginine. This variant is present in population databases (rs773784554, ExAC 0.001%). This variant has not been reported in the literature in individuals with PIK3AP1-related conditions. Algorithms developed to predict the effect of missense changes on protein structure and function output the following: SIFT: "Tolerated"; PolyPhen-2: "Benign"; Align-GVGD: "Class C0". The arginine amino acid residue is found in multiple mammalian species, suggesting that this missense change does not adversely affect protein function. These predictions have not been confirmed by published functional studies and their clinical significance is uncertain. In summary, the available evidence is currently insufficient to determine the role of this variant in disease. Therefore, it has been classified as a Variant of Uncertain Significance.